The following is an entry in ClinVar:

ClinVar aggregate classification (germline): Uncertain significance. Review status: criteria provided, multiple submitters, no conflicts (2 of 4 stars). 4 submissions from 4 submitters: Uncertain significance (4). Last evaluated 2025-01-29.

Conditions:
Hearing impairment. Also called: Impaired Hearing. Identifiers: MedGen C1384666, MONDO:0005365, HP:0000365.

Allele frequency attached by ClinVar (database versions not stated): gnomAD exomes below 0.00001; ExAC 0.00001.
gnomAD v4.1: 1 of 1,612,634 alleles (0.000062%); highest among the groups gnomAD compares: Non-Finnish European, 0.000085%; no homozygotes.

Submissions (4):

Labcorp Genetics (formerly Invitae), Labcorp
Classification: Uncertain significance. Last evaluated: 2025-01-29. Review status: criteria provided, single submitter. Criteria: Invitae Variant Classification Sherloc (09022015). Collection method: clinical testing. Allele origin: germline.
Comment: This sequence change replaces arginine, which is basic and polar, with cysteine, which is neutral and slightly polar, at codon 1514 of the COL11A2 protein (p.Arg1514Cys). The frequency data for this variant in the population databases is considered unreliable, as metrics indicate poor data quality at this position in the gnomAD database. This missense change has been observed in individual(s) with deafness (PMID: 33229591). ClinVar contains an entry for this variant (Variation ID: 1065009). Invitae Evidence Modeling of protein sequence and biophysical properties (such as structural, functional, and spatial information, amino acid conservation, physicochemical variation, residue mobility, and thermodynamic stability) indicates that this missense variant is not expected to disrupt COL11A2 protein function with a negative predictive value of 95%. In summary, the available evidence is currently insufficient to determine the role of this variant in disease. Therefore, it has been classified as a Variant of Uncertain Significance.

GeneDx
Classification: Uncertain significance. Last evaluated: 2024-09-04. Review status: criteria provided, single submitter. Criteria: GeneDx Variant Classification Process June 2021. Collection method: clinical testing. Allele origin: germline. Affected: yes.
Comment: Identified as a single heterozygous variant in a patient with age-related hearing loss (presbycusis) in published literature (PMID: 33229591); Not observed at significant frequency in large population cohorts (gnomAD); In silico analysis supports that this missense variant has a deleterious effect on protein structure/function; This variant is associated with the following publications: (PMID: 33229591)

Blueprint Genetics
Classification: Uncertain significance. Last evaluated: 2023-10-11. Review status: criteria provided, single submitter. Criteria: ACMG Guidelines, 2015. Collection method: clinical testing. Allele origin: germline.

Department of Otolaryngology – Head & Neck Surgery, Cochlear Implant Center
Classification: Uncertain significance for Hearing impairment. Last evaluated: 2021-04-12. Review status: criteria provided, single submitter. Criteria: ClinGen HL ACMG Specifications v1. Collection method: clinical testing. Allele origin: germline. Affected: yes.
Comment: PM2_Moderate

Literature cited by the submitters: PubMed 33229591 (cited by Labcorp Genetics (formerly Invitae), Labcorp).

NM_080680.3(COL11A2):c.4540C>T (p.Arg1514Cys)

Gene: COL11A2 (collagen type XI alpha 2 chain; minus strand). Cytogenetic location: 6p21.32.
Variant type: single nucleotide variant.
Coding change: c.4540C>T on transcript NM_080680.3 (MANE Select); coding-DNA position 4540, C replaced by T.
Protein change: p.Arg1514Cys; replaces arginine 1514 with cysteine.
Molecular consequence: missense variant.
Genome position (GRCh38, 1-based): chr6:33,165,759, G>A on the plus strand (C>T on the coding strand, the complement: COL11A2 is on the minus strand). VCF-style: chr6-33165759-G-A. GRCh37 (hg19) VCF-style: chr6-33133536-G-A.
Other names: c.4219C>T, p.Arg1407Cys (NM_080679.3); c.4282C>T, p.Arg1428Cys (NM_080681.3); short protein forms R1407C, R1428C, R1514C.
Identifiers: ClinVar variation 1065009 (VCV001065009.14), dbSNP rs780071501, ClinGen allele CA3750055.